The following is an entry in ClinVar:

NM_003458.4(BSN):c.2927G>A (p.Arg976His)

Gene: BSN (bassoon presynaptic cytomatrix protein; plus strand). Cytogenetic location: 3p21.31.
Variant type: single nucleotide variant.
Coding change: c.2927G>A on transcript NM_003458.4 (MANE Select); coding-DNA position 2927, G replaced by A.
Protein change: p.Arg976His; replaces arginine 976 with histidine.
Molecular consequence: missense variant.
Genome position (GRCh38, 1-based): chr3:49,652,483, G>A. VCF-style: chr3-49652483-G-A. GRCh37 (hg19) VCF-style: chr3-49689916-G-A.
Other names: c.2927G>A (NM_003458.3); short protein forms R976H.
Identifiers: ClinVar variation 2395173 (VCV002395173.8), dbSNP rs140406615, ClinGen allele CA2399877.
Genomic context (GRCh38, chr3:49,652,483, plus strand): 5'-TGGACCGGGAGCCTGAGCTGGAGATGGAGAGCCTAACGGGCTCCCCTGAGGACCGCTCCC[G>A]TGGTGAGCACTCCTCTACATTGCCTGCCTCCACACCCAGCTACACCTCGGGCACCTCTCC-3'
Protein context (NP_003449.2, residues 966-986): SLTGSPEDRS[Arg976His]GEHSSTLPAS

ClinVar aggregate classification (germline): Uncertain significance. Review status: criteria provided, multiple submitters, no conflicts (2 of 4 stars). 2 submissions from 2 submitters: Uncertain significance (2). Last evaluated 2022-07-28.

Allele frequency attached by ClinVar (database versions not stated): ExAC 0.00001; gnomAD exomes 0.00001; gnomAD 0.00004; TOPMed 0.00005; ESP Exome Variant Server 0.00015.
gnomAD v4.1: 19 of 1,613,664 alleles (0.0012%); highest among the groups gnomAD compares: African/African-American, 0.0053%; no homozygotes.

Submissions (2):

Labcorp Genetics (formerly Invitae), Labcorp
Classification: Uncertain significance. Last evaluated: 2022-07-28. Review status: criteria provided, single submitter. Criteria: Invitae Variant Classification Sherloc (09022015). Collection method: clinical testing. Allele origin: germline.
Comment: This variant is present in population databases (rs140406615, gnomAD 0.007%). In summary, the available evidence is currently insufficient to determine the role of this variant in disease. Therefore, it has been classified as a Variant of Uncertain Significance. Algorithms developed to predict the effect of missense changes on protein structure and function are either unavailable or do not agree on the potential impact of this missense change (SIFT: "Deleterious"; PolyPhen-2: "Not Available"; Align-GVGD: "Class C0"). This variant has not been reported in the literature in individuals affected with BSN-related conditions. This sequence change replaces arginine, which is basic and polar, with histidine, which is basic and polar, at codon 976 of the BSN protein (p.Arg976His).

Ambry Genetics
Classification: Uncertain significance. Last evaluated: 2021-09-17. Review status: criteria provided, single submitter. Criteria: Ambry Variant Classification Scheme 2023. Collection method: clinical testing. Allele origin: germline.